The following is an entry in ClinVar:

ClinVar aggregate classification (germline): Uncertain significance (1 of 4 stars; one submission).

Conditions:
Otosclerosis 12. Identifiers: MedGen C5935610, MONDO:0968980, OMIM 620792.
Rhabdoid tumor predisposition syndrome 2 (RTPS2). Identifiers: Orphanet 231108, Orphanet 69077, MedGen C2750074, MONDO:0013224, OMIM 613325.
Intellectual disability, autosomal dominant 16 (CSS4). Also called: COFFIN-SIRIS SYNDROME 4. Identifiers: Orphanet 1465, MedGen C3553249, MONDO:0013821, OMIM 614609.

Submission:

Juno Genomics, Hangzhou Juno Genomics, Inc
Classification: Uncertain significance for Otosclerosis 12; Rhabdoid tumor predisposition syndrome 2; Intellectual disability, autosomal dominant 16. Review status: criteria provided, single submitter. Criteria: ACMG Guidelines, 2015. Collection method: clinical testing. Allele origin: germline.
Comment: Absent from controls (or at extremely low frequency if recessive) in Genome Aggregation Database.;Multiple lines of computational evidence support a deleterious effect on the gene or gene product.;Missense variant in a gene that has a low rate of benign missense variation.

NM_003072.5(SMARCA4):c.2203G>C (p.Ala735Pro)

Gene: SMARCA4 (SWI/SNF related BAF chromatin remodeling complex subunit ATPase 4; plus strand). Cytogenetic location: 19p13.2.
Variant type: single nucleotide variant.
Coding change: c.2203G>C on transcript NM_003072.5 (MANE Select); coding-DNA position 2203, G replaced by C.
Protein change: p.Ala735Pro; replaces alanine 735 with proline.
Molecular consequence: missense variant. On other transcripts: non-coding transcript variant (1).
Genome position (GRCh38, 1-based): chr19:11,010,460, G>C. VCF-style: chr19-11010460-G-C. GRCh37 (hg19) VCF-style: chr19-11121136-G-C.
Other names: c.2203G>C, p.Ala735Pro (NM_001128844.3, NM_001128845.2, NM_001128846.2 and 6 more transcripts); short protein forms A735P.
Identifiers: ClinVar variation 5019369 (VCV005019369.2).